The following is an entry in ClinVar:

NM_001845.6(COL4A1):c.4471G>A (p.Gly1491Ser)

Gene: COL4A1 (collagen type IV alpha 1 chain; minus strand). Cytogenetic location: 13q34.
Variant type: single nucleotide variant.
Coding change: c.4471G>A on transcript NM_001845.6 (MANE Select); coding-DNA position 4471, G replaced by A.
Protein change: p.Gly1491Ser; replaces glycine 1491 with serine.
Molecular consequence: missense variant.
Genome position (GRCh38, 1-based): chr13:110,161,361, C>T on the plus strand (G>A on the coding strand, the complement: COL4A1 is on the minus strand). VCF-style: chr13-110161361-C-T. GRCh37 (hg19) VCF-style: chr13-110813708-C-T.
Other names: short protein forms G1491S.
Identifiers: ClinVar variation 2146567 (VCV002146567.5), dbSNP rs190510837, ClinGen allele CA7046912.

ClinVar aggregate classification (germline): Uncertain significance. Review status: criteria provided, multiple submitters, no conflicts (2 of 4 stars). 2 submissions from 2 submitters: Uncertain significance (2). Last evaluated 2026-01-05.

Allele frequency attached by ClinVar (database versions not stated): gnomAD exomes 0.00001; ExAC 0.00003.
gnomAD v4.1: 9 of 1,612,110 alleles (0.00056%); highest among the groups gnomAD compares: Admixed American, 0.01%; no homozygotes.

Submissions (2):

Labcorp Genetics (formerly Invitae), Labcorp
Classification: Uncertain significance. Last evaluated: 2026-01-05. Review status: criteria provided, single submitter. Criteria: Invitae Variant Classification Sherloc (09022015). Collection method: clinical testing. Allele origin: germline.
Comment: This sequence change replaces glycine, which is neutral and non-polar, with serine, which is neutral and polar, at codon 1491 of the COL4A1 protein (p.Gly1491Ser). This variant is present in population databases (rs190510837, gnomAD 0.02%). This variant has not been reported in the literature in individuals affected with COL4A1-related conditions. ClinVar contains an entry for this variant (Variation ID: 2146567). Invitae Evidence Modeling of protein sequence and biophysical properties (such as structural, functional, and spatial information, amino acid conservation, physicochemical variation, residue mobility, and thermodynamic stability) indicates that this missense variant is expected to disrupt COL4A1 protein function with a positive predictive value of 95%. In summary, the available evidence is currently insufficient to determine the role of this variant in disease. Therefore, it has been classified as a Variant of Uncertain Significance.

Revvity Omics, Revvity
Classification: Uncertain significance. Last evaluated: 2024-04-02. Review status: criteria provided, single submitter. Criteria: ACMG Guidelines, 2015. Collection method: clinical testing. Allele origin: germline.